The following is an entry in ClinVar:

NM_021956.5(GRIK2):c.1595C>T (p.Pro532Leu)

Gene: GRIK2 (glutamate ionotropic receptor kainate type subunit 2; plus strand). Cytogenetic location: 6q16.3.
Variant type: single nucleotide variant.
Coding change: c.1595C>T on transcript NM_021956.5 (MANE Select); coding-DNA position 1595, C replaced by T.
Protein change: p.Pro532Leu; replaces proline 532 with leucine.
Molecular consequence: missense variant.
Genome position (GRCh38, 1-based): chr6:101,889,710, C>T. VCF-style: chr6-101889710-C-T. GRCh37 (hg19) VCF-style: chr6-102337585-C-T.
Other names: c.1595C>T, p.Pro532Leu (NM_001166247.1, NM_175768.3); short protein forms P532L.
Identifiers: ClinVar variation 2662483 (VCV002662483.1), dbSNP rs1786917291, ClinGen allele CA365309408.

ClinVar aggregate classification (germline): Uncertain significance (1 of 4 stars; one submission).

Submission:

GeneDx
Classification: Uncertain significance. Last evaluated: 2023-04-14. Review status: criteria provided, single submitter. Criteria: GeneDx Variant Classification Process June 2021. Collection method: clinical testing. Allele origin: germline. Affected: yes.
Comment: Not observed at significant frequency in large population cohorts (gnomAD); In silico analysis supports that this missense variant has a deleterious effect on protein structure/function; Has not been previously published as pathogenic or benign to our knowledge